The following is an entry in ClinVar:

NM_004991.4(MECOM):c.987G>C (p.Thr329=)

Gene: MECOM (MDS1 and EVI1 complex locus; minus strand). Cytogenetic location: 3q26.2.
Variant type: single nucleotide variant.
Coding change: c.987G>C on transcript NM_004991.4 (MANE Select); coding-DNA position 987, G replaced by C.
Protein change: p.Thr329=; no amino-acid change (threonine 329 retained).
Molecular consequence: synonymous variant.
Genome position (GRCh38, 1-based): chr3:169,121,201, C>G on the plus strand (G>C on the coding strand, the complement: MECOM is on the minus strand). VCF-style: chr3-169121201-C-G. GRCh37 (hg19) VCF-style: chr3-168838989-C-G.
Other names: c.618G>C, p.Thr206= (NM_001105077.4); c.423G>C, p.Thr141= (NM_001105078.4, NM_001164000.2, NM_001205194.2 and 5 more transcripts); c.426G>C, p.Thr142= (NM_001163999.2, NM_001366467.2, NM_001366468.2 and 1 more transcripts); c.987G>C, p.Thr329= (NM_001366466.2, NM_001366473.2).
Identifiers: ClinVar variation 3348752 (VCV003348752.1).

ClinVar aggregate classification (germline): Likely benign (0 of 4 stars; one submission).

Conditions:
MECOM-related disorder. Also called: MECOM-related condition.

Submission:

PreventionGenetics, part of Exact Sciences
Classification: Likely benign for MECOM-related condition. Last evaluated: 2024-04-11. Review status: no assertion criteria provided. Collection method: clinical testing. Allele origin: germline.
Comment: This variant is classified as likely benign based on ACMG/AMP sequence variant interpretation guidelines (Richards et al. 2015 PMID: 25741868, with internal and published modifications).